The following is an entry in ClinVar:

ClinVar aggregate classification (germline): Uncertain significance. Review status: criteria provided, single submitter (1 of 4 stars). 2 submissions from 2 submitters: Uncertain significance (1). 1 of the submissions does not count toward it. Last evaluated 2023-08-16.

Conditions:
Cystinuria (CSNU). Also called: CYSTINURIA, TYPE I; CYSTINURIA, TYPE II; CYSTINURIA, TYPE III; Cystinuria, non-type I. Identifiers: Orphanet 214, MedGen C0010691, MONDO:0009067, OMIM 220100, HP:0003131.

Allele frequency attached by ClinVar (database versions not stated): TOPMed 0.00001.

Submissions (2):

Labcorp Genetics (formerly Invitae), Labcorp
Classification: Uncertain significance for Cystinuria. Last evaluated: 2023-08-16. Review status: criteria provided, single submitter. Criteria: Invitae Variant Classification Sherloc (09022015). Collection method: clinical testing. Allele origin: germline.
Comment: This missense change has been observed in individual(s) with clinical features of Cystinuria (PMID: 28717662). ClinVar contains an entry for this variant (Variation ID: 562305). Advanced modeling of protein sequence and biophysical properties (such as structural, functional, and spatial information, amino acid conservation, physicochemical variation, residue mobility, and thermodynamic stability) has been performed at Invitae for this missense variant, however the output from this modeling did not meet the statistical confidence thresholds required to predict the impact of this variant on SLC3A1 protein function. In summary, the available evidence is currently insufficient to determine the role of this variant in disease. Therefore, it has been classified as a Variant of Uncertain Significance. This variant is not present in population databases (gnomAD no frequency). This sequence change replaces arginine, which is basic and polar, with serine, which is neutral and polar, at codon 567 of the SLC3A1 protein (p.Arg567Ser).

Gharavi Laboratory, Columbia University
Classification: Likely pathogenic. Last evaluated: 2018-09-16. Review status: no assertion criteria provided. Criteria: ACMG Guidelines, 2015. Collection method: research. Allele origin: germline. Affected: yes. Not counted in ClinVar's aggregate classification.

Literature cited by the submitters: PubMed 28717662 (cited by Labcorp Genetics (formerly Invitae), Labcorp).

NM_000341.4(SLC3A1):c.1701G>T (p.Arg567Ser)

Genes: PREPL (prolyl endopeptidase like; minus strand), SLC3A1 (solute carrier family 3 member 1; plus strand). Cytogenetic location: 2p21.
Variant type: single nucleotide variant.
Coding change: c.1701G>T on transcript NM_000341.4 (MANE Select); coding-DNA position 1701, G replaced by T.
Protein change: p.Arg567Ser; replaces arginine 567 with serine.
Molecular consequence: missense variant. On other transcripts: 3 prime UTR variant (10).
Genome position (GRCh38, 1-based): chr2:44,320,282, G>T. VCF-style: chr2-44320282-G-T. GRCh37 (hg19) VCF-style: chr2-44547421-G-T.
Other names: c.*1074C>A (NM_001042385.2, NM_001042386.2, NM_001171603.1 and 7 more transcripts); short protein forms R567S.
Identifiers: ClinVar variation 562305 (VCV000562305.4), dbSNP rs904926333, ClinGen allele CA46521652.
Genomic context (GRCh38, chr2:44,320,282, plus strand): 5'-GGCTTTGAAGTTATATCAAGATTTAAGTCTACTTCATGCCAATGAGCTACTCCTCAACAG[G>T]GGCTGGTTTTGCCATTTGAGGAATGACAGCCACTATGTTGTGTACACAAGAGAGCTGGAT-3'
Protein context (NP_000332.2, residues 557-577): LLHANELLLN[Arg567Ser]GWFCHLRNDS